The following is an entry in ClinVar:

ClinVar aggregate classification (germline): Pathogenic (1 of 4 stars; one submission).

Conditions:
Multiple acyl-CoA dehydrogenase deficiency (MADD). Also called: ETHYLMALONIC-ADIPICACIDURIA; GA II; Glutaric Acidemia type 2; Glutaric acidemia type II; GA 2; Glutaric aciduria, type 2. Identifiers: Orphanet 26791, MedGen C0268596, MONDO:0009282, OMIM 231680.

Submission:

Labcorp Genetics (formerly Invitae), Labcorp
Classification: Pathogenic for Multiple acyl-CoA dehydrogenase deficiency. Last evaluated: 2020-09-15. Review status: criteria provided, single submitter. Criteria: Invitae Variant Classification Sherloc (09022015). Collection method: clinical testing. Allele origin: germline.
Comment: For these reasons, this variant has been classified as Pathogenic. Loss-of-function variants in ETFA are known to be pathogenic (PMID: 16510302, 23785301). This variant has been observed in individual(s) with glutaric aciduria type 2 (PMID: 12486872, 18289905). This variant is not present in population databases (ExAC no frequency). This sequence change creates a premature translational stop signal (p.Asp160Metfs*4) in the ETFA gene. It is expected to result in an absent or disrupted protein product.

Literature cited by the submitters: PubMed 16510302; PubMed 23785301; PubMed 12486872; PubMed 18289905.

NM_000126.4(ETFA):c.478del (p.Asp160fs)

Gene: ETFA (electron transfer flavoprotein subunit alpha; minus strand). Cytogenetic location: 15q24.2.
Variant type: Deletion.
Coding change: c.478del on transcript NM_000126.4 (MANE Select); coding-DNA position 478, one base deleted (G; older notation c.478delG).
Protein change: p.Asp160fs; shifts the reading frame from aspartic acid 160.
Molecular consequence: frameshift variant.
Genome position (GRCh38, 1-based): chr15:76,286,455, C deleted on the plus strand (G on the coding strand, the reverse complement: ETFA is on the minus strand). VCF-style (leftmost placement, unchanged base first): chr15-76286454-TC-T. GRCh37 (hg19) VCF-style: chr15-76578795-TC-T.
Other names: c.331del, p.Asp111fs (NM_001127716.2); short protein forms D111fs, D160fs.
Identifiers: ClinVar variation 1076385 (VCV001076385.9), dbSNP rs2039705645, ClinGen allele CA658795155.
Genomic context (GRCh38, chr15:76,286,454, plus strand): 5'-CCACTTGTTGCTGCAGCATCAAAGGATGTTCCACGGACAGAAAACACTTTCACTTTCTCA[TC>T]ACACTTCACTGTACATAGAGCATTTCCTGAAACATACAATCTATTTCTTAAAAGCAACAG-3'